The following is an entry in ClinVar:

NM_022124.6(CDH23):c.6562G>A (p.Glu2188Lys)

Gene: CDH23 (cadherin related 23; plus strand). Cytogenetic location: 10q22.1.
Variant type: single nucleotide variant.
Coding change: c.6562G>A on transcript NM_022124.6 (MANE Select); coding-DNA position 6562, G replaced by A.
Protein change: p.Glu2188Lys; replaces glutamic acid 2188 with lysine.
Molecular consequence: missense variant.
Genome position (GRCh38, 1-based): chr10:71,793,490, G>A. VCF-style: chr10-71793490-G-A. GRCh37 (hg19) VCF-style: chr10-73553247-G-A.
Other names: c.6562G>A (NM_022124.5); short protein forms E2188K.
Identifiers: ClinVar variation 1041865 (VCV001041865.7), dbSNP rs1444432865, ClinGen allele CA377155315.
Genomic context (GRCh38, chr10:71,793,490, plus strand): 5'-AATGACTCCCGCCCCGAGTTCCTCAACCCCATCCAGACAGTGAGCGTGCTGGAGTCGGCT[G>A]AGCCAGGCACTGTCATTGCCAATATCACGGCCATTGACCACGACCTCAACCCAAAGCTAG-3'
Protein context (NP_071407.4, residues 2178-2198): IQTVSVLESA[Glu2188Lys]PGTVIANITA

ClinVar aggregate classification (germline): Uncertain significance. Review status: criteria provided, multiple submitters, no conflicts (2 of 4 stars). 3 submissions from 3 submitters: Uncertain significance (2). 1 of the submissions does not count toward it. Last evaluated 2021-12-31.

Conditions:
Inborn genetic diseases. Identifiers: MedGen C0950123, MeSH D030342.
Usher syndrome type 1 (USH1). Also called: RETINITIS PIGMENTOSA AND CONGENITAL DEAFNESS. Identifiers: Orphanet 231169, Orphanet 886, MedGen C1568247, MONDO:0010168, OMIM 276900.

Allele frequency attached by ClinVar (database versions not stated): gnomAD 0.00001 and 0.00002; gnomAD exomes 0.00002 and 0.00001; TOPMed 0.00002.
gnomAD v4.1: 27 of 1,613,862 alleles (0.0017%); highest among the groups gnomAD compares: Non-Finnish European, 0.0023%; no homozygotes.

Submissions (3):

Labcorp Genetics (formerly Invitae), Labcorp
Classification: Uncertain significance. Last evaluated: 2021-12-31. Review status: criteria provided, single submitter. Criteria: Invitae Variant Classification Sherloc (09022015). Collection method: clinical testing. Allele origin: germline.
Comment: This sequence change replaces glutamic acid, which is acidic and polar, with lysine, which is basic and polar, at codon 2188 of the CDH23 protein (p.Glu2188Lys). This variant is present in population databases (no rsID available, gnomAD 0.002%). This variant has not been reported in the literature in individuals affected with CDH23-related conditions. ClinVar contains an entry for this variant (Variation ID: 1041865). Algorithms developed to predict the effect of missense changes on protein structure and function output the following: SIFT: "Tolerated"; PolyPhen-2: "Not Available"; Align-GVGD: "Class C0". The lysine amino acid residue is found in multiple mammalian species, which suggests that this missense change does not adversely affect protein function. In summary, the available evidence is currently insufficient to determine the role of this variant in disease. Therefore, it has been classified as a Variant of Uncertain Significance.

Ambry Genetics
Classification: Uncertain significance for Inborn genetic diseases. Last evaluated: 2021-10-26. Review status: criteria provided, single submitter. Criteria: Ambry Variant Classification Scheme 2023. Collection method: clinical testing. Allele origin: germline.

Natera, Inc.
Classification: Uncertain significance for Usher syndrome type 1. Last evaluated: 2020-05-04. Review status: no assertion criteria provided. Collection method: clinical testing. Allele origin: germline. Not counted in ClinVar's aggregate classification.